The following is an entry in ClinVar:

NM_014014.5(SNRNP200):c.5022C>T (p.His1674=)

Gene: SNRNP200 (small nuclear ribonucleoprotein U5 subunit 200; minus strand). Cytogenetic location: 2q11.2.
Variant type: single nucleotide variant.
Coding change: c.5022C>T on transcript NM_014014.5 (MANE Select); coding-DNA position 5022, C replaced by T.
Protein change: p.His1674=; no amino-acid change (histidine 1674 retained).
Molecular consequence: synonymous variant.
Genome position (GRCh38, 1-based): chr2:96,281,816, G>A on the plus strand (C>T on the coding strand, the complement: SNRNP200 is on the minus strand). VCF-style: chr2-96281816-G-A. GRCh37 (hg19) VCF-style: chr2-96947554-G-A.
Identifiers: ClinVar variation 741355 (VCV000741355.12), dbSNP rs139015042, ClinGen allele CA1778062.

ClinVar aggregate classification (germline): Likely benign. Review status: criteria provided, multiple submitters, no conflicts (2 of 4 stars). 3 submissions from 3 submitters: Likely benign (2). 1 of the submissions does not count toward it. Last evaluated 2025-10-23.

Conditions:
SNRNP200-related disorder. Also called: SNRNP200-related condition.

Allele frequency attached by ClinVar (database versions not stated): ExAC 0.00005; gnomAD exomes 0.00008 and 0.00025; TOPMed 0.00015; gnomAD 0.00016; ESP Exome Variant Server 0.00031.
gnomAD v4.1: 380 of 1,609,506 alleles (0.024%); highest among the groups gnomAD compares: Middle Eastern, 0.033%; 2 homozygotes.

Submissions (4):

Labcorp Genetics (formerly Invitae), Labcorp
Classification: Likely benign. Last evaluated: 2025-10-23. Review status: criteria provided, single submitter. Criteria: Invitae Variant Classification Sherloc (09022015). Collection method: clinical testing. Allele origin: germline.

Blueprint Genetics
Classification: Likely benign. Last evaluated: 2024-10-29. Review status: criteria provided, single submitter. Criteria: ACMG Guidelines, 2015. Collection method: clinical testing. Allele origin: germline.

PreventionGenetics, part of Exact Sciences
Classification: Likely benign for SNRNP200-related condition. Last evaluated: 2019-09-19. Review status: no assertion criteria provided. Collection method: clinical testing. Allele origin: germline. Not counted in ClinVar's aggregate classification.
Comment: This variant is classified as likely benign based on ACMG/AMP sequence variant interpretation guidelines (Richards et al. 2015 PMID: 25741868, with internal and published modifications).

Dr. Peter K. Rogan Lab, Western University
No classification provided (evidence only). Condition: Nonpapillary renal cell carcinoma. Review status: no classification provided. Collection method: in vitro. Allele origin: not applicable. Functional consequence: retained intron. Not counted in ClinVar's aggregate classification.